The following is an entry in ClinVar:

ClinVar aggregate classification (germline): Uncertain significance (1 of 4 stars; one submission).

Conditions:
Cardiovascular phenotype. Identifiers: MedGen CN230736.

gnomAD v4.1: 9 of 1,613,994 alleles (0.00056%); highest among the groups gnomAD compares: Middle Eastern, 0.033%; no homozygotes.

Submission:

Ambry Genetics
Classification: Uncertain significance for Cardiovascular phenotype. Last evaluated: 2026-09-13. Review status: criteria provided, single submitter. Criteria: Ambry Variant Classification Scheme 2023. Collection method: clinical testing. Allele origin: germline.
Comment: The p.R137C variant (also known as c.409C>T), located in coding exon 3 of the SCN2B gene, results from a C to T substitution at nucleotide position 409. The arginine at codon 137 is replaced by cysteine, an amino acid with highly dissimilar properties. This amino acid position is conserved. In addition, the in silico prediction for this alteration is inconclusive. Based on the available evidence, the clinical significance of this variant remains unclear.

NM_004588.5(SCN2B):c.409C>T (p.Arg137Cys)

Gene: SCN2B (sodium voltage-gated channel beta subunit 2; minus strand). Cytogenetic location: 11q23.3.
Variant type: single nucleotide variant.
Coding change: c.409C>T on transcript NM_004588.5 (MANE Select); coding-DNA position 409, C replaced by T.
Protein change: p.Arg137Cys; replaces arginine 137 with cysteine.
Molecular consequence: missense variant.
Genome position (GRCh38, 1-based): chr11:118,168,124, G>A on the plus strand (C>T on the coding strand, the complement: SCN2B is on the minus strand). VCF-style: chr11-118168124-G-A. GRCh37 (hg19) VCF-style: chr11-118038839-G-A.
Other names: short protein forms R137C.
Identifiers: ClinVar variation 3793188 (VCV003793188.2).